The following is an entry in ClinVar:

ClinVar aggregate classification (germline): Uncertain significance. Review status: criteria provided, multiple submitters, no conflicts (2 of 4 stars). 2 submissions from 2 submitters: Uncertain significance (2). Last evaluated 2025-06-07.

Conditions:
Hereditary cancer-predisposing syndrome. Also called: Neoplastic Syndromes, Hereditary; Tumor predisposition; Hereditary Cancer Syndrome; Hereditary neoplastic syndrome. Identifiers: Orphanet 140162, MedGen C0027672, MeSH D009386, MONDO:0015356.

Submissions (2):

Ambry Genetics
Classification: Uncertain significance for Hereditary cancer-predisposing syndrome. Last evaluated: 2025-06-07. Review status: criteria provided, single submitter. Criteria: Ambry Variant Classification Scheme 2023. Collection method: clinical testing. Allele origin: germline.
Comment: The p.R1027I variant (also known as c.3080G>T), located in coding exon 20 of the RAD50 gene, results from a G to T substitution at nucleotide position 3080. The arginine at codon 1027 is replaced by isoleucine, an amino acid with similar properties. This amino acid position is highly conserved in available vertebrate species. In addition, this alteration is predicted to be tolerated by in silico analysis. Since supporting evidence is limited at this time, the clinical significance of this alteration remains unclear.

Labcorp Genetics (formerly Invitae), Labcorp
Classification: Uncertain significance for Hereditary cancer-predisposing syndrome. Last evaluated: 2024-04-29. Review status: criteria provided, single submitter. Criteria: Invitae Variant Classification Sherloc (09022015). Collection method: clinical testing. Allele origin: germline.
Comment: This sequence change replaces arginine, which is basic and polar, with isoleucine, which is neutral and non-polar, at codon 1027 of the RAD50 protein (p.Arg1027Ile). This variant is not present in population databases (gnomAD no frequency). This variant has not been reported in the literature in individuals affected with RAD50-related conditions. ClinVar contains an entry for this variant (Variation ID: 187019). Advanced modeling of protein sequence and biophysical properties (such as structural, functional, and spatial information, amino acid conservation, physicochemical variation, residue mobility, and thermodynamic stability) performed at Invitae indicates that this missense variant is not expected to disrupt RAD50 protein function with a negative predictive value of 80%. In summary, the available evidence is currently insufficient to determine the role of this variant in disease. Therefore, it has been classified as a Variant of Uncertain Significance.

NM_005732.4(RAD50):c.3080G>T (p.Arg1027Ile)

Gene: RAD50 (RAD50 double strand break repair protein; plus strand). Cytogenetic location: 5q31.1.
Variant type: single nucleotide variant.
Coding change: c.3080G>T on transcript NM_005732.4 (MANE Select); coding-DNA position 3080, G replaced by T.
Protein change: p.Arg1027Ile; replaces arginine 1027 with isoleucine.
Molecular consequence: missense variant.
Genome position (GRCh38, 1-based): chr5:132,616,046, G>T. VCF-style: chr5-132616046-G-T. GRCh37 (hg19) VCF-style: chr5-131951738-G-T.
Other names: short protein forms R1027I.
Identifiers: ClinVar variation 187019 (VCV000187019.16), dbSNP rs77642085, ClinGen allele CA196518.